The following is an entry in ClinVar:

ClinVar aggregate classification (germline): Pathogenic/Likely pathogenic. Review status: criteria provided, multiple submitters, no conflicts (2 of 4 stars). 3 submissions from 3 submitters: Pathogenic (2); Likely pathogenic (1). Last evaluated 2024-11-22.

Conditions:
SUZ12-related disorder. Also called: SUZ12-related condition.

Submissions (3):

Dasa
Classification: Pathogenic. Last evaluated: 2024-11-22. Review status: criteria provided, single submitter. Criteria: DASA Assertion Criteria. Collection method: clinical testing. Allele origin: germline.
Comment: NM_015355.4(SUZ12):c.1023+1G>C introduces a premature termination codon predicted to result in loss of normal protein function. Loss-of-function is an established mechanism of disease for this gene. De novo occurrence has been reported in an individual with related phenotype. This variant has been reported in individuals with related phenotype (PMID: 36645289). The variant is present at low frequency in population datasets. Based on the available data, this variant is classified as pathogenic.

GeneDx
Classification: Pathogenic. Last evaluated: 2024-11-18. Review status: criteria provided, single submitter. Criteria: GeneDx Variant Classification Process June 2021. Collection method: clinical testing. Allele origin: germline.
Comment: Canonical splice site variant predicted to result in a null allele in a gene for which loss of function is a known mechanism of disease (PMID: 36645289); Not observed at significant frequency in large population cohorts (gnomAD); This variant is associated with the following publications: (PMID: 36645289)

Blueprint Genetics
Classification: Likely pathogenic for SUZ12-related disorders. Last evaluated: 2023-12-15. Review status: criteria provided, single submitter. Criteria: ACMG Guidelines, 2015. Collection method: clinical testing. Allele origin: germline. Affected: yes. Observed: 2 variant alleles.

Literature cited by the submitters: PubMed 36645289 (cited by Dasa).

NM_015355.4(SUZ12):c.1023+1G>C

Gene: SUZ12 (SUZ12 polycomb repressive complex 2 subunit; plus strand). Cytogenetic location: 17q11.2.
Variant type: single nucleotide variant.
Coding change: c.1023+1G>C on transcript NM_015355.4 (MANE Select); the canonical splice donor site of the intron after coding-DNA position 1023, G replaced by C.
Molecular consequence: splice donor variant.
Genome position (GRCh38, 1-based): chr17:31,983,105, G>C. VCF-style: chr17-31983105-G-C. GRCh37 (hg19) VCF-style: chr17-30310124-G-C.
Other names: c.954+1G>C (NM_001321207.2).
Identifiers: ClinVar variation 3363351 (VCV003363351.3).
Genomic context (GRCh38, chr17:31,983,105, plus strand): 5'-ATGGAAGAATGTCCAATAAGCAAGAAAAGAGCAACATGGGAGACTATTCTTGATGGGAAG[G>C]TATGGACTACTTAGAAGGTTGAGCACGTTATAGTTATGAACTCCCATTTTTGACTGATGT-3'